The following is an entry in ClinVar:

ClinVar aggregate classification (germline): Uncertain significance (1 of 4 stars; one submission).

Conditions:
Developmental and epileptic encephalopathy, 53. Also called: Epileptic encephalopathy, early infantile, 53. Identifiers: MedGen C4479313, MONDO:0033362, OMIM 617389.
Early-onset Parkinson disease 20. Also called: PARKINSON DISEASE 20, AUTOSOMAL RECESSIVE EARLY-ONSET. Identifiers: Orphanet 391411, MedGen C3809824, MONDO:0014233, OMIM 615530.

Allele frequency attached by ClinVar (database versions not stated): gnomAD exomes below 0.00001.
gnomAD v4.1: 2 of 1,596,896 alleles (0.00013%); highest among the groups gnomAD compares: East Asian, 0.0045%; no homozygotes.

Submission:

Labcorp Genetics (formerly Invitae), Labcorp
Classification: Uncertain significance for Developmental and epileptic encephalopathy, 53; Early-onset Parkinson disease 20. Last evaluated: 2022-07-06. Review status: criteria provided, single submitter. Criteria: Invitae Variant Classification Sherloc (09022015). Collection method: clinical testing. Allele origin: germline.
Comment: In summary, the available evidence is currently insufficient to determine the role of this variant in disease. Therefore, it has been classified as a Variant of Uncertain Significance. Variants that disrupt the consensus splice site are a relatively common cause of aberrant splicing (PMID: 17576681, 9536098). Algorithms developed to predict the effect of sequence changes on RNA splicing suggest that this variant is not likely to affect RNA splicing. This variant has not been reported in the literature in individuals affected with SYNJ1-related conditions. This variant is not present in population databases (gnomAD no frequency). This sequence change falls in intron 17 of the SYNJ1 gene. It does not directly change the encoded amino acid sequence of the SYNJ1 protein. It affects a nucleotide within the consensus splice site.

Literature cited by the submitters: PubMed 17576681; PubMed 9536098.

NM_203446.3(SYNJ1):c.2145+6C>T

Gene: SYNJ1 (synaptojanin 1; minus strand). Cytogenetic location: 21q22.11.
Variant type: single nucleotide variant.
Coding change: c.2145+6C>T on transcript NM_203446.3 (MANE Select); 6 bases into the intron after coding-DNA position 2145, C replaced by T.
Molecular consequence: intron variant.
Genome position (GRCh38, 1-based): chr21:32,665,937, G>A on the plus strand (C>T on the coding strand, the complement: SYNJ1 is on the minus strand). VCF-style: chr21-32665937-G-A. GRCh37 (hg19) VCF-style: chr21-34038247-G-A.
Other names: c.2262+6C>T (NM_003895.4); c.2145+6C>T (NM_001160302.2); c.2130+6C>T (NM_001160306.2).
Identifiers: ClinVar variation 2201533 (VCV002201533.4), dbSNP rs2517631357, ClinGen allele CA2580098572.